The following is an entry in ClinVar:

NM_005144.5(HR):c.419C>T (p.Pro140Leu)

Gene: HR (HR lysine demethylase and nuclear receptor corepressor; minus strand). Cytogenetic location: 8p21.3.
Variant type: single nucleotide variant.
Coding change: c.419C>T on transcript NM_005144.5 (MANE Select); coding-DNA position 419, C replaced by T.
Protein change: p.Pro140Leu; replaces proline 140 with leucine.
Molecular consequence: missense variant.
Genome position (GRCh38, 1-based): chr8:22,128,752, G>A on the plus strand (C>T on the coding strand, the complement: HR is on the minus strand). VCF-style: chr8-22128752-G-A. GRCh37 (hg19) VCF-style: chr8-21986265-G-A.
Other names: c.419C>T, p.Pro140Leu (NM_018411.4); short protein forms P140L.
Identifiers: ClinVar variation 3695866 (VCV003695866.2).
Genomic context (GRCh38, chr8:22,128,752, plus strand): 5'-GGCACCCAGAAGGGAGCTCGCTCCAGGATCTTGGTCTCCAGAAGGAAAGGGCAGTGCCAG[G>A]GCCGGAAGGCCACAGGGTCACTCTTGAGATGGCCACCACTATGCTCAGGCATCAGGGGGC-3'
Protein context (NP_005135.2, residues 130-150): HLKSDPVAFR[Pro140Leu]WHCPFLLETK

ClinVar aggregate classification (germline): Uncertain significance (1 of 4 stars; one submission).

gnomAD v4.1: 3 of 1,600,496 alleles (0.00019%); highest among the groups gnomAD compares: Non-Finnish European, 0.00026%; no homozygotes.

Submission:

Labcorp Genetics (formerly Invitae), Labcorp
Classification: Uncertain significance. Last evaluated: 2024-06-05. Review status: criteria provided, single submitter. Criteria: Invitae Variant Classification Sherloc (09022015). Collection method: clinical testing. Allele origin: germline.
Comment: This sequence change replaces proline, which is neutral and non-polar, with leucine, which is neutral and non-polar, at codon 140 of the HR protein (p.Pro140Leu). This variant is not present in population databases (gnomAD no frequency). This variant has not been reported in the literature in individuals affected with HR-related conditions. An algorithm developed to predict the effect of missense changes on protein structure and function (PolyPhen-2) suggests that this variant is likely to be disruptive. In summary, the available evidence is currently insufficient to determine the role of this variant in disease. Therefore, it has been classified as a Variant of Uncertain Significance.